The following is an entry in ClinVar:

NM_001135022.2(ELMOD3):c.1082A>T (p.Asp361Val)

Gene: ELMOD3 (ELMO domain containing 3; plus strand). Cytogenetic location: 2p11.2.
Variant type: single nucleotide variant.
Coding change: c.1082A>T on transcript NM_001135022.2 (MANE Select); coding-DNA position 1082, A replaced by T.
Protein change: p.Asp361Val; replaces aspartic acid 361 with valine.
Molecular consequence: missense variant. On other transcripts: non-coding transcript variant (3).
Genome position (GRCh38, 1-based): chr2:85,390,898, A>T. VCF-style: chr2-85390898-A-T. GRCh37 (hg19) VCF-style: chr2-85618021-A-T.
Other names: c.1082A>T, p.Asp361Val (NM_001135021.2, NM_001135023.2, NM_001329791.2 and 2 more transcripts); c.1082A>T (NM_001135021.1); short protein forms D361V.
Identifiers: ClinVar variation 1318149 (VCV001318149.11), dbSNP rs1037001688, ClinGen allele CA51709860.

ClinVar aggregate classification (germline): Likely benign. Review status: criteria provided, multiple submitters, no conflicts (2 of 4 stars). 3 submissions from 3 submitters: Likely benign (2). 1 of the submissions does not count toward it. Last evaluated 2026-01-08.

Conditions:
ELMOD3-related disorder. Also called: ELMOD3-related condition.

Allele frequency attached by ClinVar (database versions not stated): gnomAD exomes 0.00007 and 0.00046; gnomAD 0.00021 and 0.00022; TOPMed 0.00028.
gnomAD v4.1: 126 of 1,551,484 alleles (0.0081%); highest among the groups gnomAD compares: Admixed American, 0.23%; 1 homozygote.

Submissions (3):

Labcorp Genetics (formerly Invitae), Labcorp
Classification: Likely benign. Last evaluated: 2026-01-08. Review status: criteria provided, single submitter. Criteria: Invitae Variant Classification Sherloc (09022015). Collection method: clinical testing. Allele origin: germline.

GeneDx
Classification: Likely benign. Last evaluated: 2020-04-06. Review status: criteria provided, single submitter. Criteria: GeneDx Variant Classification Process June 2021. Collection method: clinical testing. Allele origin: germline. Affected: yes.

PreventionGenetics, part of Exact Sciences
Classification: Likely benign for ELMOD3-related condition. Last evaluated: 2023-01-31. Review status: no assertion criteria provided. Collection method: clinical testing. Allele origin: germline. Not counted in ClinVar's aggregate classification.
Comment: This variant is classified as likely benign based on ACMG/AMP sequence variant interpretation guidelines (Richards et al. 2015 PMID: 25741868, with internal and published modifications).